The following is an entry in ClinVar:

ClinVar aggregate classification (germline): Pathogenic (1 of 4 stars; one submission).

Conditions:
Tuberous sclerosis 1 (TSC1). Identifiers: Orphanet 805, MedGen C1854465, MONDO:0008612, OMIM 191100.

Submission:

Labcorp Genetics (formerly Invitae), Labcorp
Classification: Pathogenic for Tuberous sclerosis 1. Last evaluated: 2025-01-25. Review status: criteria provided, single submitter. Criteria: Invitae Variant Classification Sherloc (09022015). Collection method: clinical testing. Allele origin: germline.
Comment: This sequence change creates a premature translational stop signal (p.Lys875Argfs*3) in the TSC1 gene. It is expected to result in an absent or disrupted protein product. Loss-of-function variants in TSC1 are known to be pathogenic (PMID: 10227394, 17304050). This variant is not present in population databases (gnomAD no frequency). This variant has not been reported in the literature in individuals affected with TSC1-related conditions. For these reasons, this variant has been classified as Pathogenic.

Literature cited by the submitters: PubMed 10227394; PubMed 17304050.

NM_000368.5(TSC1):c.2624del (p.Lys875fs)

Gene: TSC1 (TSC complex subunit 1; minus strand). Cytogenetic location: 9q34.13.
Variant type: Deletion.
Coding change: c.2624del on transcript NM_000368.5 (MANE Select); coding-DNA position 2624, one base deleted (A; older notation c.2624delA).
Protein change: p.Lys875fs; shifts the reading frame from lysine 875.
Molecular consequence: frameshift variant. On other transcripts: non-coding transcript variant (5).
Genome position (GRCh38, 1-based): chr9:132,900,716, T deleted on the plus strand (A on the coding strand, the reverse complement: TSC1 is on the minus strand); the first of 3 consecutive T bases (chr9:132,900,716-132,900,718); deleting any one gives the same sequence. VCF-style (leftmost placement, unchanged base first): chr9-132900715-CT-C. GRCh37 (hg19) VCF-style: chr9-135776102-CT-C.
Other names: c.2216del, p.Lys739fs (NM_001406625.1); c.1673del, p.Lys558fs (NM_001406626.1); c.1670del, p.Lys557fs (NM_001406627.1, NM_001406628.1); c.1571del, p.Lys524fs (NM_001406629.1, NM_001406630.1); c.2258del, p.Lys753fs (NM_001406623.1, NM_001406620.1, NM_001406621.1 and 1 more transcripts); c.2219del, p.Lys740fs (NM_001406624.1); c.2621del, p.Lys874fs (NM_001162426.2, NM_001406597.1, NM_001406598.1 and 2 more transcripts); c.2471del, p.Lys824fs (NM_001162427.2, NM_001406610.1); and 8 more; short protein forms K524fs, K740fs, K753fs, K809fs, K823fs, K860fs, K861fs, K557fs.
Identifiers: ClinVar variation 3729562 (VCV003729562.2).
Genomic context (GRCh38, chr9:132,900,715, plus strand): 5'-ATACTGTCTGGGTCTGAAACGCTTTCCCCACTAAGGTCTGGCTCCCGAGCCCTGGCATAC[CT>C]TTGTGGTATCTGAGTGCTTGTTCTGCAGTTGTTCCAAATAGAGCTCGTTGACCTCCCCAA-3'